The following is an entry in ClinVar:

ClinVar aggregate classification (germline): Uncertain significance (1 of 4 stars; one submission).

Conditions:
Familial adenomatous polyposis 1 (FAP1). Also called: FAMILIAL ADENOMATOUS POLYPOSIS 1, ATTENUATED; POLYPOSIS, ADENOMATOUS INTESTINAL. Identifiers: MedGen C2713442, MONDO:0021056, OMIM 175100. Disease mechanism: loss of function.

Submission:

Labcorp Genetics (formerly Invitae), Labcorp
Classification: Uncertain significance for Familial adenomatous polyposis 1. Last evaluated: 2023-10-04. Review status: criteria provided, single submitter. Criteria: Invitae Variant Classification Sherloc (09022015). Collection method: clinical testing. Allele origin: germline.
Comment: This variant occurs in a non-coding region of the APC gene. It does not change the encoded amino acid sequence of the APC protein. This variant is not present in population databases (gnomAD no frequency). This variant has not been reported in the literature in individuals affected with APC-related conditions. Experimental studies and prediction algorithms are not available or were not evaluated, and the functional significance of this variant is currently unknown. In summary, the available evidence is currently insufficient to determine the role of this variant in disease. Therefore, it has been classified as a Variant of Uncertain Significance.

NM_001127511.3(APC):c.165+11C>T

Gene: APC (APC regulator of Wnt signaling pathway; plus strand). Cytogenetic location: 5q22.2.
Variant type: single nucleotide variant.
Coding change: c.165+11C>T on transcript NM_001127511.3; 11 bases into the intron after coding-DNA position 165, C replaced by T.
Molecular consequence: intron variant.
Genome position (GRCh38, 1-based): chr5:112,707,893, C>T. VCF-style: chr5-112707893-C-T. GRCh37 (hg19) VCF-style: chr5-112043590-C-T.
Other names: c.-1054+11C>T (NM_001407470.1, NM_001407472.1); c.-19+11C>T (NM_001407447.1, NM_001354895.2, NM_001407456.1 and 3 more transcripts); c.165+11C>T (NM_001407446.1, NM_001354897.2, NM_001354902.2); c.-19+244C>T (NM_001407448.1, NM_001407450.1, NM_001407457.1 and 1 more transcripts); c.-43+244C>T (NM_001407453.1).
Identifiers: ClinVar variation 2789978 (VCV002789978.3), dbSNP rs2531742754, ClinGen allele CA2739274987.